The following is an entry in ClinVar:

ClinVar aggregate classification (germline): Uncertain significance. Review status: criteria provided, multiple submitters, no conflicts (2 of 4 stars). 2 submissions from 2 submitters: Uncertain significance (2). Last evaluated 2025-05-12.

Conditions:
Cardiovascular phenotype. Identifiers: MedGen CN230736.
Charcot-Marie-Tooth disease type 2. Also called: Charcot-Marie-Tooth type 2. Identifiers: Orphanet 64746, MedGen C0270914, MONDO:0018993.

Submissions (2):

Labcorp Genetics (formerly Invitae), Labcorp
Classification: Uncertain significance for Charcot-Marie-Tooth disease type 2. Last evaluated: 2025-05-12. Review status: criteria provided, single submitter. Criteria: Invitae Variant Classification Sherloc (09022015). Collection method: clinical testing. Allele origin: germline.
Comment: This sequence change replaces glutamic acid, which is acidic and polar, with glutamine, which is neutral and polar, at codon 330 of the LMNA protein (p.Glu330Gln). This variant is not present in population databases (gnomAD no frequency). This variant has not been reported in the literature in individuals affected with LMNA-related conditions. ClinVar contains an entry for this variant (Variation ID: 2452983). Invitae Evidence Modeling of protein sequence and biophysical properties (such as structural, functional, and spatial information, amino acid conservation, physicochemical variation, residue mobility, and thermodynamic stability) indicates that this missense variant is expected to disrupt LMNA protein function with a positive predictive value of 95%. In summary, the available evidence is currently insufficient to determine the role of this variant in disease. Therefore, it has been classified as a Variant of Uncertain Significance.

Ambry Genetics
Classification: Uncertain significance for Cardiovascular phenotype. Last evaluated: 2023-01-23. Review status: criteria provided, single submitter. Criteria: Ambry Variant Classification Scheme 2023. Collection method: clinical testing. Allele origin: germline.
Comment: The p.E330Q variant (also known as c.988G>C), located in coding exon 6 of the LMNA gene, results from a G to C substitution at nucleotide position 988. The glutamic acid at codon 330 is replaced by glutamine, an amino acid with highly similar properties. This amino acid position is highly conserved in available vertebrate species. In addition, this alteration is predicted to be deleterious by in silico analysis. Since supporting evidence is limited at this time, the clinical significance of this alteration remains unclear.

NM_170707.4(LMNA):c.988G>C (p.Glu330Gln)

Gene: LMNA (lamin A/C; plus strand). Cytogenetic location: 1q22.
Variant type: single nucleotide variant.
Coding change: c.988G>C on transcript NM_170707.4 (MANE Select); coding-DNA position 988, G replaced by C.
Protein change: p.Glu330Gln; replaces glutamic acid 330 with glutamine.
Molecular consequence: missense variant.
Genome position (GRCh38, 1-based): chr1:156,135,952, G>C. VCF-style: chr1-156135952-G-C. GRCh37 (hg19) VCF-style: chr1-156105743-G-C.
Other names: c.652G>C, p.Glu218Gln (NM_001257374.3, NM_001406989.1, NM_001406998.1); c.745G>C, p.Glu249Gln (NM_001282624.2, NM_001406986.1, NM_001406987.1); c.988G>C, p.Glu330Gln (NM_001282625.2, NM_001282626.2, NM_001406983.1 and 6 more transcripts); c.691G>C, p.Glu231Gln (NM_001406988.1); c.430G>C, p.Glu144Gln (NM_001406990.1, NM_001406993.1, NM_001406995.1 and 4 more transcripts); c.364G>C, p.Glu122Gln (NM_001406994.1, NM_001406999.1, NM_001407000.1 and 1 more transcripts); short protein forms E218Q, E330Q, E122Q, E144Q, E231Q, E249Q.
Identifiers: ClinVar variation 2452983 (VCV002452983.4), dbSNP rs1060502211, ClinGen allele CA342820136.
Genomic context (GRCh38, chr1:156,135,952, plus strand): 5'-CCCCTTCAGCTGGCAGCCAAGGAGGCGAAGCTTCGAGACCTGGAGGACTCACTGGCCCGT[G>C]AGCGGGACACCAGCCGGCGGCTGCTGGCGGAAAAGGAGCGGGAGATGGCCGAGATGCGGG-3'
Protein context (NP_733821.1, residues 320-340): LRDLEDSLAR[Glu330Gln]RDTSRRLLAE